The following is an entry in ClinVar:

ClinVar aggregate classification (germline): Uncertain significance. Review status: criteria provided, multiple submitters, no conflicts (2 of 4 stars). 2 submissions from 2 submitters: Uncertain significance (2). Last evaluated 2025-10-14.

Conditions:
Inborn genetic diseases. Identifiers: MedGen C0950123, MeSH D030342.
Congenital myotonia, autosomal dominant form (THD). Also called: THOMSEN DISEASE; Myotonia congenita autosomal dominant. Identifiers: Orphanet 614, MedGen C2936781, MONDO:0008055, OMIM 160800.
Congenital myotonia, autosomal recessive form. Also called: BECKER DISEASE; Becker Generalized Myotonia; myotonia congenita, autosomal recessive. Identifiers: Orphanet 614, MedGen C0751360, MONDO:0009715, OMIM 255700.

gnomAD v4.1: 15 of 1,614,080 alleles (0.00093%); highest among the groups gnomAD compares: Non-Finnish European, 0.0012%; no homozygotes.

Submissions (2):

Labcorp Genetics (formerly Invitae), Labcorp
Classification: Uncertain significance for Congenital myotonia, autosomal recessive form; Congenital myotonia, autosomal dominant form. Last evaluated: 2025-10-14. Review status: criteria provided, single submitter. Criteria: Invitae Variant Classification Sherloc (09022015). Collection method: clinical testing. Allele origin: germline.
Comment: This sequence change replaces valine, which is neutral and non-polar, with isoleucine, which is neutral and non-polar, at codon 187 of the CLCN1 protein (p.Val187Ile). This variant is present in population databases (rs764969054, gnomAD 0.0009%). This variant has not been reported in the literature in individuals affected with CLCN1-related conditions. Invitae Evidence Modeling of protein sequence and biophysical properties (such as structural, functional, and spatial information, amino acid conservation, physicochemical variation, residue mobility, and thermodynamic stability) has been performed for this missense variant. However, the output from this modeling did not meet the statistical confidence thresholds required to predict the impact of this variant on CLCN1 protein function. In summary, the available evidence is currently insufficient to determine the role of this variant in disease. Therefore, it has been classified as a Variant of Uncertain Significance.

Ambry Genetics
Classification: Uncertain significance for Inborn genetic diseases. Last evaluated: 2025-08-05. Review status: criteria provided, single submitter. Criteria: Ambry Variant Classification Scheme 2023. Collection method: clinical testing. Allele origin: germline.

NM_000083.3(CLCN1):c.559G>A (p.Val187Ile)

Gene: CLCN1 (chloride voltage-gated channel 1; plus strand). Cytogenetic location: 7q34.
Variant type: single nucleotide variant.
Coding change: c.559G>A on transcript NM_000083.3 (MANE Select); coding-DNA position 559, G replaced by A.
Protein change: p.Val187Ile; replaces valine 187 with isoleucine.
Molecular consequence: missense variant. On other transcripts: non-coding transcript variant (1).
Genome position (GRCh38, 1-based): chr7:143,321,490, G>A. VCF-style: chr7-143321490-G-A. GRCh37 (hg19) VCF-style: chr7-143018583-G-A.
Other names: short protein forms V187I.
Identifiers: ClinVar variation 4229466 (VCV004229466.2).
Genomic context (GRCh38, chr7:143,321,490, plus strand): 5'-TTCCCACTAGTCCTCATCCTCTTCAGCGCCCTCTTCTGCCACCTCATCTCTCCCCAGGCT[G>A]TTGGTGAGAACTTGCCACCAGACTCGGCCTGAGCTGGGTGGCCTGAGAGGGGCCCTGTCT-3'
Protein context (NP_000074.3, residues 177-197): LFCHLISPQA[Val187Ile]GSGIPEMKTI